The following is an entry in ClinVar:

NM_145691.4(ATPAF2):c.485T>G (p.Ile162Ser)

Gene: ATPAF2 (ATP synthase mitochondrial F1 complex assembly factor 2; minus strand). Cytogenetic location: 17p11.2.
Variant type: single nucleotide variant.
Coding change: c.485T>G on transcript NM_145691.4 (MANE Select); coding-DNA position 485, T replaced by G.
Protein change: p.Ile162Ser; replaces isoleucine 162 with serine.
Molecular consequence: missense variant.
Genome position (GRCh38, 1-based): chr17:18,024,642, A>C on the plus strand (T>G on the coding strand, the complement: ATPAF2 is on the minus strand). VCF-style: chr17-18024642-A-C. GRCh37 (hg19) VCF-style: chr17-17927956-A-C.
Other names: short protein forms I162S.
Identifiers: ClinVar variation 3460719 (VCV003460719.2).

ClinVar aggregate classification (germline): Uncertain significance. Review status: criteria provided, multiple submitters, no conflicts (2 of 4 stars). 2 submissions from 2 submitters: Uncertain significance (2). Last evaluated 2025-03-12.

gnomAD v4.1: 1 of 1,613,832 alleles (0.000062%); highest among the groups gnomAD compares: Admixed American, 0.0017%; no homozygotes.

Submissions (2):

GeneDx
Classification: Uncertain significance. Last evaluated: 2025-03-12. Review status: criteria provided, single submitter. Criteria: GeneDx Variant Classification Process June 2021. Collection method: clinical testing. Allele origin: germline. Affected: yes.
Comment: Not observed at significant frequency in large population cohorts (gnomAD); In silico analysis supports that this missense variant has a deleterious effect on protein structure/function; Has not been previously published as pathogenic or benign to our knowledge

Ambry Genetics
Classification: Uncertain significance. Last evaluated: 2024-10-20. Review status: criteria provided, single submitter. Criteria: Ambry Variant Classification Scheme 2023. Collection method: clinical testing. Allele origin: germline.